The following is an entry in ClinVar:

ClinVar aggregate classification (germline): Likely benign (0 of 4 stars; one submission).

Conditions:
AFF4-related disorder. Also called: AFF4-related condition.

Submission:

PreventionGenetics, part of Exact Sciences
Classification: Likely benign for AFF4-related condition. Last evaluated: 2024-04-17. Review status: no assertion criteria provided. Collection method: clinical testing. Allele origin: germline.
Comment: This variant is classified as likely benign based on ACMG/AMP sequence variant interpretation guidelines (Richards et al. 2015 PMID: 25741868, with internal and published modifications).

NM_014423.4(AFF4):c.3006-9A>T

Gene: AFF4 (ALF transcription elongation factor 4; minus strand). Cytogenetic location: 5q31.1.
Variant type: single nucleotide variant.
Coding change: c.3006-9A>T on transcript NM_014423.4 (MANE Select); 9 bases into the intron before coding-DNA position 3006, A replaced by T.
Molecular consequence: intron variant.
Genome position (GRCh38, 1-based): chr5:132,886,412, T>A on the plus strand (A>T on the coding strand, the complement: AFF4 is on the minus strand). VCF-style: chr5-132886412-T-A. GRCh37 (hg19) VCF-style: chr5-132222104-T-A.
Identifiers: ClinVar variation 3351331 (VCV003351331.1).